The following is an entry in ClinVar:

ClinVar aggregate classification (germline): Conflicting classifications of pathogenicity. Review status: criteria provided, conflicting classifications (1 of 4 stars). 2 submissions from 2 submitters: Uncertain significance (1); Likely benign (1). Last evaluated 2025-04-07.

Conditions:
Inborn genetic diseases. Identifiers: MedGen C0950123, MeSH D030342.

Allele frequency attached by ClinVar (database versions not stated): gnomAD exomes below 0.00001; TOPMed 0.00001; gnomAD 0.00002.
gnomAD v4.1: 5 of 1,613,836 alleles (0.00031%); highest among the groups gnomAD compares: Non-Finnish European, 0.00042%; no homozygotes.

Submissions (2):

Ambry Genetics
Classification: Uncertain significance for Inborn genetic diseases. Last evaluated: 2025-04-07. Review status: criteria provided, single submitter. Criteria: Ambry Variant Classification Scheme 2023. Collection method: clinical testing. Allele origin: germline.

CeGaT Center for Human Genetics Tuebingen
Classification: Likely benign. Last evaluated: 2024-02-01. Review status: criteria provided, single submitter. Criteria: CeGaT Center For Human Genetics Tuebingen Variant Classification Criteria Version 2. Collection method: clinical testing. Allele origin: germline. Affected: yes. Observed: 1 variant allele.
Comment: ASXL2: BP4, BS2

NM_018263.6(ASXL2):c.3427T>C (p.Ser1143Pro)

Gene: ASXL2 (ASXL transcriptional regulator 2; minus strand). Cytogenetic location: 2p23.3.
Variant type: single nucleotide variant.
Coding change: c.3427T>C on transcript NM_018263.6 (MANE Select); coding-DNA position 3427, T replaced by C.
Protein change: p.Ser1143Pro; replaces serine 1143 with proline.
Molecular consequence: missense variant.
Genome position (GRCh38, 1-based): chr2:25,742,910, A>G on the plus strand (T>C on the coding strand, the complement: ASXL2 is on the minus strand). VCF-style: chr2-25742910-A-G. GRCh37 (hg19) VCF-style: chr2-25965779-A-G.
Other names: c.3253T>C, p.Ser1085Pro (NM_001369346.1); c.2647T>C, p.Ser883Pro (NM_001369347.1); c.3427T>C (NM_018263.4); short protein forms S1085P, S1143P, S883P.
Identifiers: ClinVar variation 3026071 (VCV003026071.22), dbSNP rs938580887, ClinGen allele CA43734411.
Genomic context (GRCh38, chr2:25,742,910, plus strand): 5'-ATCCCATTTTCAAGGCTTCAGTGGGGCTGCTTAGACAAAAACGATCTTCAGGGTTTACAG[A>G]ATGGGTCCTCCTAAAGCTCTCTGAGCCCCGGCCGTAGGTAGAAATATTCAGTAAGTAGTG-3'
Protein context (NP_060733.4, residues 1133-1153): RGSESFRRTH[Ser1143Pro]VNPEDRFCLS